The following is an entry in ClinVar:

ClinVar aggregate classification (germline): Uncertain significance (1 of 4 stars; one submission).

Allele frequency attached by ClinVar (database versions not stated): gnomAD exomes 0.00001; TOPMed 0.00001; gnomAD 0.00002.
gnomAD v4.1: 10 of 1,613,902 alleles (0.00062%); highest among the groups gnomAD compares: South Asian, 0.0066%; no homozygotes.

Submission:

GeneDx
Classification: Uncertain significance. Last evaluated: 2023-01-12. Review status: criteria provided, single submitter. Criteria: GeneDx Variant Classification Process June 2021. Collection method: clinical testing. Allele origin: germline. Affected: yes.
Comment: In silico analysis supports that this missense variant does not alter protein structure/function; Has not been previously published as pathogenic or benign to our knowledge

NM_001170629.2(CHD8):c.5315G>A (p.Arg1772His)

Gene: CHD8 (chromodomain helicase DNA binding protein 8; minus strand). Cytogenetic location: 14q11.2.
Variant type: single nucleotide variant.
Coding change: c.5315G>A on transcript NM_001170629.2 (MANE Select); coding-DNA position 5315, G replaced by A.
Protein change: p.Arg1772His; replaces arginine 1772 with histidine.
Molecular consequence: missense variant.
Genome position (GRCh38, 1-based): chr14:21,394,987, C>T on the plus strand (G>A on the coding strand, the complement: CHD8 is on the minus strand). VCF-style: chr14-21394987-C-T. GRCh37 (hg19) VCF-style: chr14-21863146-C-T.
Other names: c.4478G>A, p.Arg1493His (NM_020920.4); short protein forms R1493H, R1772H.
Identifiers: ClinVar variation 2572846 (VCV002572846.1), dbSNP rs1180921820, ClinGen allele CA388884031.